The following is an entry in ClinVar:

NM_003105.6(SORL1):c.2133C>T (p.Ser711=)

Gene: SORL1 (sortilin related receptor 1; plus strand). Cytogenetic location: 11q24.1.
Variant type: single nucleotide variant.
Coding change: c.2133C>T on transcript NM_003105.6 (MANE Select); coding-DNA position 2133, C replaced by T.
Protein change: p.Ser711=; no amino-acid change (serine 711 retained).
Molecular consequence: synonymous variant.
Genome position (GRCh38, 1-based): chr11:121,550,041, C>T. VCF-style: chr11-121550041-C-T. GRCh37 (hg19) VCF-style: chr11-121420750-C-T.
Identifiers: ClinVar variation 788570 (VCV000788570.12), dbSNP rs115226090, ClinGen allele CA6328842.

ClinVar aggregate classification (germline): Benign/Likely benign. Review status: criteria provided, multiple submitters, no conflicts (2 of 4 stars). 3 submissions from 3 submitters: Benign (2); Likely benign (1). Last evaluated 2026-01-13.

Conditions:
SORL1-related disorder. Also called: SORL1-related condition.

Allele frequency attached by ClinVar (database versions not stated): gnomAD exomes 0.00133; ExAC 0.00183; gnomAD 0.00514 and 0.00550; ESP Exome Variant Server 0.00531; TOPMed 0.00612; 1000 Genomes Project 0.00639; 1000 Genomes Project 30x 0.00734.
gnomAD v4.1: 1,544 of 1,613,552 alleles (0.096%); highest among the groups gnomAD compares: African/African-American, 1.9%; 13 homozygotes.

Submissions (3):

Labcorp Genetics (formerly Invitae), Labcorp
Classification: Benign. Last evaluated: 2026-01-13. Review status: criteria provided, single submitter. Criteria: Invitae Variant Classification Sherloc (09022015). Collection method: clinical testing. Allele origin: germline.

PreventionGenetics, part of Exact Sciences
Classification: Benign for SORL1-related condition. Last evaluated: 2024-12-06. Review status: criteria provided, single submitter. Criteria: ACMG Guidelines, 2015. Collection method: clinical testing. Allele origin: germline.
Comment: This variant is classified as benign based on ACMG/AMP sequence variant interpretation guidelines (Richards et al. 2015 PMID: 25741868, with internal and published modifications).

Blueprint Genetics
Classification: Likely benign. Last evaluated: 2024-11-12. Review status: criteria provided, single submitter. Criteria: ACMG Guidelines, 2015. Collection method: clinical testing. Allele origin: germline.